The following is an entry in ClinVar:

ClinVar aggregate classification (germline): Conflicting classifications of pathogenicity. Review status: criteria provided, conflicting classifications (1 of 4 stars). 2 submissions from 2 submitters: Uncertain significance (1); Likely benign (1). Last evaluated 2025-07-13.

gnomAD v4.1: 27 of 1,163,175 alleles (0.0023%); highest among the groups gnomAD compares: South Asian, 0.015%; no homozygotes.

Submissions (2):

Ambry Genetics
Classification: Uncertain significance. Last evaluated: 2025-07-13. Review status: criteria provided, single submitter. Criteria: Ambry Variant Classification Scheme 2023. Collection method: clinical testing. Allele origin: germline.

CeGaT Center for Human Genetics Tuebingen
Classification: Likely benign. Last evaluated: 2025-06-01. Review status: criteria provided, single submitter. Criteria: CeGaT Center For Human Genetics Tuebingen Variant Classification Criteria Version 2. Collection method: clinical testing. Allele origin: germline. Affected: yes. Observed: 1 variant allele.
Comment: WNK3: BP4, BS2

NM_020922.5(WNK3):c.5237C>T (p.Ala1746Val)

Gene: WNK3 (WNK lysine deficient protein kinase 3; minus strand). Cytogenetic location: Xp11.22.
Variant type: single nucleotide variant.
Coding change: c.5237C>T on transcript NM_020922.5 (MANE Select); coding-DNA position 5237, C replaced by T.
Protein change: p.Ala1746Val; replaces alanine 1746 with valine.
Molecular consequence: missense variant.
Genome position (GRCh38, 1-based): chrX:54,198,490, G>A on the plus strand (C>T on the coding strand, the complement: WNK3 is on the minus strand). VCF-style: chrX-54198490-G-A. GRCh37 (hg19) VCF-style: chrX-54224923-G-A.
Other names: c.5066C>T, p.Ala1689Val (NM_001002838.4, NM_001395166.1); short protein forms A1689V, A1746V.
Identifiers: ClinVar variation 3905027 (VCV003905027.11).